The following is an entry in ClinVar:

NM_000352.6(ABCC8):c.3525C>G (p.Tyr1175Ter)

Gene: ABCC8 (ATP binding cassette subfamily C member 8; minus strand). Cytogenetic location: 11p15.1.
Variant type: single nucleotide variant.
Coding change: c.3525C>G on transcript NM_000352.6 (MANE Select); coding-DNA position 3525, C replaced by G.
Protein change: p.Tyr1175Ter; replaces tyrosine 1175 with a stop codon.
Molecular consequence: nonsense. On other transcripts: non-coding transcript variant (1).
Genome position (GRCh38, 1-based): chr11:17,404,544, G>C on the plus strand (C>G on the coding strand, the complement: ABCC8 is on the minus strand). VCF-style: chr11-17404544-G-C. GRCh37 (hg19) VCF-style: chr11-17426091-G-C.
Other names: c.3525C>G, p.Tyr1175Ter (NM_001351296.2); c.3522C>G, p.Tyr1174Ter (NM_001351297.2); c.3528C>G, p.Tyr1176Ter (NM_001287174.3); c.3591C>G, p.Tyr1197Ter (NM_001351295.2); short protein forms Y1175*, Y1176*, Y1174*, Y1197*.
Identifiers: ClinVar variation 370375 (VCV000370375.4), dbSNP rs1057516439, ClinGen allele CA16041443.
Genomic context (GRCh38, chr11:17,404,544, plus strand): 5'-TCCCACCCCTCACCCCTGAGGCCATCACCTGGACGCCACCCGGAAGTACTTCTGGATGAA[G>C]TAGCACACGATGGCCAGGGGCAAGAGGGCCACGAGGAACACAGGTGTGACATAGGAGATG-3'

ClinVar aggregate classification (germline): Uncertain significance. Review status: criteria provided, single submitter (1 of 4 stars). 3 submissions from 2 submitters: Uncertain significance (2). 1 of the submissions does not count toward it.

Conditions:
Transitory neonatal diabetes mellitus. Also called: Transient neonatal diabetes mellitus. Identifiers: MedGen C0342273, MONDO:0020525, HP:0008255.
Maturity-onset diabetes of the young (MODY). Also called: Maturity onset diabetes mellitus in young. Identifiers: Orphanet 552, MedGen C0342276, MONDO:0018911, HP:0004904.
Hyperinsulinemic hypoglycemia, familial, 1 (HHF1). Also called: Persistent Hyperinsulinemia Hypoglycemia of Infancy; HYPERINSULINISM, FAMILIAL, WITH PANCREATIC NESIDIOBLASTOSIS; HYPOGLYCEMIA, HYPERINSULINEMIC, OF INFANCY; NESIDIOBLASTOSIS OF PANCREAS; Persistent hyperinsulinemic hypoglycemia of infancy. Identifiers: Orphanet 276575, Orphanet 276598, MedGen C2931832, MONDO:0009734, OMIM 256450.

Submissions (3):

Clinical Genomics, Uppaluri K&H Personalized Medicine Clinic
Classification: Uncertain significance for Transitory neonatal diabetes mellitus. Review status: criteria provided, single submitter. Criteria: K & H Uppaluri Personalized Medicine Clinic Variant Classification & Assertion Criteria_Updated V.1. Collection method: research. Allele origin: somatic. Inheritance: Somatic mutation.
Comment: Mutations in ABCC8 gene are associated with both neonatal diabetes mellitus as well as MODY. Patients with this mutation may have a better response to sulfonylureas. However, no sufficient evidence is found to ascertain the role of this particular variant ( rs1057516439) in neonatal diabetes yet.

Clinical Genomics, Uppaluri K&H Personalized Medicine Clinic
Classification: Uncertain significance for Maturity-onset diabetes of the young. Review status: criteria provided, single submitter. Criteria: K & H Uppaluri Personalized Medicine Clinic Variant Classification & Assertion Criteria_Updated V.1. Collection method: research. Allele origin: somatic. Inheritance: Somatic mutation.
Comment: Mutations in ABCC8 gene are associated with both neonatal diabetes mellitus as well as MODY. Patients with this mutation may have a better response to sulfonylureas. However, no sufficient evidence is found to ascertain the role of this particular variant ( rs1057516439) in MODY yet.

Counsyl
Classification: Likely pathogenic for Hyperinsulinemic hypoglycemia, familial, 1. Last evaluated: 2016-01-28. Review status: no assertion criteria provided. Collection method: clinical testing. Allele origin: unknown. Not counted in ClinVar's aggregate classification.

Literature cited by the submitters: PubMed 16885549 (cited by Clinical Genomics, Uppaluri K&H Personalized Medicine Clinic); PubMed 21989597 (cited by Clinical Genomics, Uppaluri K&H Personalized Medicine Clinic); PubMed 27538677 (cited by Clinical Genomics, Uppaluri K&H Personalized Medicine Clinic); PubMed 18981553 (cited by Clinical Genomics, Uppaluri K&H Personalized Medicine Clinic); PubMed 32027066 (cited by Clinical Genomics, Uppaluri K&H Personalized Medicine Clinic); PubMed 16613899 (cited by Clinical Genomics, Uppaluri K&H Personalized Medicine Clinic); PubMed 18025408 (cited by Clinical Genomics, Uppaluri K&H Personalized Medicine Clinic); PubMed 32792356 (cited by Clinical Genomics, Uppaluri K&H Personalized Medicine Clinic).